The following is an entry in ClinVar:

ClinVar aggregate classification (germline): Uncertain significance. Review status: criteria provided, multiple submitters, no conflicts (2 of 4 stars). 3 submissions from 3 submitters: Uncertain significance (3). Last evaluated 2024-11-23.

Conditions:
Inborn genetic diseases. Identifiers: MedGen C0950123, MeSH D030342.
Fanconi anemia complementation group A (FANCA). Also called: FANCA-Related Fanconi Anemia; Fanconi anemia, group A. Identifiers: Orphanet 84, MedGen C3469521, MONDO:0009215, OMIM 227650.
Fanconi anemia (FA). Also called: Fanconi's anemia. Identifiers: Orphanet 84, MedGen C0015625, MeSH D005199, MONDO:0019391.

gnomAD v4.1: 9 of 1,614,028 alleles (0.00056%); highest among the groups gnomAD compares: African/African-American, 0.004%; no homozygotes.

Submissions (3):

Ambry Genetics
Classification: Uncertain significance for Inborn genetic diseases. Last evaluated: 2024-11-23. Review status: criteria provided, single submitter. Criteria: Ambry Variant Classification Scheme 2023. Collection method: clinical testing. Allele origin: germline.
Comment: The p.V697L variant (also known as c.2089G>C), located in coding exon 23 of the FANCA gene, results from a G to C substitution at nucleotide position 2089. The valine at codon 697 is replaced by leucine, an amino acid with highly similar properties. This amino acid position is conserved. In addition, this alteration is predicted to be tolerated by in silico analysis. Based on the available evidence, the clinical significance of this variant remains unclear.

Fulgent Genetics
Classification: Uncertain significance for Fanconi anemia complementation group A. Last evaluated: 2021-12-04. Review status: criteria provided, single submitter. Criteria: ACMG Guidelines, 2015. Collection method: clinical testing. Allele origin: unknown.

Labcorp Genetics (formerly Invitae), Labcorp
Classification: Uncertain significance for Fanconi anemia. Last evaluated: 2021-09-15. Review status: criteria provided, single submitter. Criteria: Invitae Variant Classification Sherloc (09022015). Collection method: clinical testing. Allele origin: germline.
Comment: This sequence change replaces valine with leucine at codon 697 of the FANCA protein (p.Val697Leu). The valine residue is weakly conserved and there is a small physicochemical difference between valine and leucine. This variant is present in population databases (rs376888740, ExAC 0.01%). This variant has not been reported in the literature in individuals affected with FANCA-related conditions. Advanced modeling of protein sequence and biophysical properties (such as structural, functional, and spatial information, amino acid conservation, physicochemical variation, residue mobility, and thermodynamic stability) performed at Invitae indicates that this missense variant is not expected to disrupt FANCA protein function. In summary, the available evidence is currently insufficient to determine the role of this variant in disease. Therefore, it has been classified as a Variant of Uncertain Significance.

NM_000135.4(FANCA):c.2089G>C (p.Val697Leu)

Gene: FANCA (FA complementation group A; minus strand). Cytogenetic location: 16q24.3.
Variant type: single nucleotide variant.
Coding change: c.2089G>C on transcript NM_000135.4 (MANE Select); coding-DNA position 2089, G replaced by C.
Protein change: p.Val697Leu; replaces valine 697 with leucine.
Molecular consequence: missense variant.
Genome position (GRCh38, 1-based): chr16:89,771,740, C>G on the plus strand (G>C on the coding strand, the complement: FANCA is on the minus strand). VCF-style: chr16-89771740-C-G. GRCh37 (hg19) VCF-style: chr16-89838148-C-G.
Other names: c.2089G>C, p.Val697Leu (NM_001286167.3); c.2089G>C (NM_000135.2); short protein forms V697L.
Identifiers: ClinVar variation 1482024 (VCV001482024.7), dbSNP rs376888740, ClinGen allele CA8251916.